The following is an entry in ClinVar:

NM_031935.3(HMCN1):c.1182T>A (p.Phe394Leu)

Gene: HMCN1 (hemicentin 1; plus strand). Cytogenetic location: 1q31.1.
Variant type: single nucleotide variant.
Coding change: c.1182T>A on transcript NM_031935.3 (MANE Select); coding-DNA position 1182, T replaced by A.
Protein change: p.Phe394Leu; replaces phenylalanine 394 with leucine.
Molecular consequence: missense variant.
Genome position (GRCh38, 1-based): chr1:185,923,550, T>A. VCF-style: chr1-185923550-T-A. GRCh37 (hg19) VCF-style: chr1-185892682-T-A.
Other names: short protein forms F394L.
Identifiers: ClinVar variation 4765865 (VCV004765865.1).

ClinVar aggregate classification (germline): Uncertain significance (1 of 4 stars; one submission).

gnomAD v4.1: 3 of 1,611,730 alleles (0.00019%); highest among the groups gnomAD compares: African/African-American, 0.004%; no homozygotes.

Submission:

Labcorp Genetics (formerly Invitae), Labcorp
Classification: Uncertain significance. Last evaluated: 2025-05-01. Review status: criteria provided, single submitter. Criteria: Invitae Variant Classification Sherloc (09022015). Collection method: clinical testing. Allele origin: germline.
Comment: This sequence change replaces phenylalanine, which is neutral and non-polar, with leucine, which is neutral and non-polar, at codon 394 of the HMCN1 protein (p.Phe394Leu). This variant is not present in population databases (gnomAD no frequency). This variant has not been reported in the literature in individuals affected with HMCN1-related conditions. An algorithm developed to predict the effect of missense changes on protein structure and function (PolyPhen-2) suggests that this variant is likely to be disruptive. In summary, the available evidence is currently insufficient to determine the role of this variant in disease. Therefore, it has been classified as a Variant of Uncertain Significance.